The following is an entry in ClinVar:

ClinVar aggregate classification (germline): Uncertain significance (1 of 4 stars; one submission).

Conditions:
GNAS-related disorder. Identifiers: MedGen CN380105.

gnomAD v4.1: 2 of 1,574,384 alleles (0.00013%); highest among the groups gnomAD compares: Non-Finnish European, 0.00017%; no homozygotes.

Submission:

PreventionGenetics, part of Exact Sciences
Classification: Uncertain significance for GNAS-related condition. Last evaluated: 2024-11-13. Review status: criteria provided, single submitter. Criteria: ACMG Guidelines, 2015. Collection method: clinical testing. Allele origin: germline.
Comment: The GNAS c.1058A>G variant is predicted to result in the amino acid substitution p.Gln353Arg. To our knowledge, this variant has not been reported in the literature. This variant is reported in 0.0024% of alleles in individuals of European (Non-Finnish) descent in gnomAD. At this time, the clinical significance of this variant is uncertain due to the absence of conclusive functional and genetic evidence.

NM_080425.4(GNAS):c.1245A>G (p.Thr415=)

Gene: GNAS (GNAS complex locus; plus strand). Cytogenetic location: 20q13.32.
Variant type: single nucleotide variant.
Coding change: c.1245A>G on transcript NM_080425.4 (MANE Plus Clinical); coding-DNA position 1245, A replaced by G.
Protein change: p.Thr415=; no amino-acid change (threonine 415 retained).
Molecular consequence: synonymous variant. On other transcripts: intron variant (3), missense variant (2).
Genome position (GRCh38, 1-based): chr20:58,854,510, A>G. VCF-style: chr20-58854510-A-G. GRCh37 (hg19) VCF-style: chr20-57429565-A-G.
Other names: c.*42+13624A>G (NM_016592.5); c.43+13624A>G (NM_001410912.1); c.-39+12635A>G (NM_001309861.2); c.1058A>G, p.Gln353Arg (NM_001077490.3, NM_001309883.1); c.1245A>G, p.Thr415= (NM_001410913.1); short protein forms Q353R.
Identifiers: ClinVar variation 4990676 (VCV004990676.1).